The following is an entry in ClinVar:

ClinVar aggregate classification (germline): Uncertain significance (1 of 4 stars; one submission).

Conditions:
Hereditary cancer-predisposing syndrome. Also called: Neoplastic Syndromes, Hereditary; Tumor predisposition; Hereditary neoplastic syndrome; Hereditary Cancer Syndrome. Identifiers: Orphanet 140162, MedGen C0027672, MeSH D009386, MONDO:0015356.

Submission:

Ambry Genetics
Classification: Uncertain significance for Hereditary cancer-predisposing syndrome. Last evaluated: 2023-10-15. Review status: criteria provided, single submitter. Criteria: Ambry Variant Classification Scheme 2023. Collection method: clinical testing. Allele origin: germline.
Comment: The p.P87R variant (also known as c.260C>G), located in coding exon 2 of the TMEM127 gene, results from a C to G substitution at nucleotide position 260. The proline at codon 87 is replaced by arginine, an amino acid with dissimilar properties. This amino acid position is conserved. In addition, the in silico prediction for this alteration is inconclusive. Since supporting evidence is limited at this time, the clinical significance of this alteration remains unclear.

NM_017849.4(TMEM127):c.260C>G (p.Pro87Arg)

Gene: TMEM127 (transmembrane protein 127; minus strand). Cytogenetic location: 2q11.2.
Variant type: single nucleotide variant.
Coding change: c.260C>G on transcript NM_017849.4 (MANE Select); coding-DNA position 260, C replaced by G.
Protein change: p.Pro87Arg; replaces proline 87 with arginine.
Molecular consequence: missense variant.
Genome position (GRCh38, 1-based): chr2:96,254,982, G>C on the plus strand (C>G on the coding strand, the complement: TMEM127 is on the minus strand). VCF-style: chr2-96254982-G-C. GRCh37 (hg19) VCF-style: chr2-96920720-G-C.
Other names: c.260C>G, p.Pro87Arg (NM_001193304.3); c.8C>G, p.Pro3Arg (NM_001407282.1, NM_001407283.1); short protein forms P3R, P87R.
Identifiers: ClinVar variation 3227068 (VCV003227068.1), dbSNP rs1558752611, ClinGen allele CA347653646.
Genomic context (GRCh38, chr2:96,254,982, plus strand): 5'-CTACACAGGATGCCCAGGAAACAGAAGGCGGCGATGACCCGCAGGAGCAGCACTGTCTGG[G>C]GATTCATGCAGAAATCTGTAGAGGGAGAACCAAATTTTCACGGCCCCAAGTAACACTTGG-3'
Protein context (NP_060319.1, residues 77-97): PDLLKDFCMN[Pro87Arg]QTVLLLRVIA